The following is an entry in ClinVar:

ClinVar aggregate classification (germline): Uncertain significance (1 of 4 stars; one submission).

Conditions:
Familial intrahepatic cholestasis. Identifiers: Orphanet 284385, MedGen CN296401, MONDO:0017290.

gnomAD v4.1: 2 of 1,613,824 alleles (0.00012%); highest among the groups gnomAD compares: Middle Eastern, 0.016%; no homozygotes.

Submission:

Genomenon, Inc
Classification: Uncertain significance for Familial intrahepatic cholestasis. Last evaluated: 2026-04-14. Review status: criteria provided, single submitter. Criteria: Genomenon Sequence Variant Interpretation Standards - Updated. Collection method: curation. Allele origin: germline. Affected: no.
Comment: ABCB11 p.Ala1283Ser (c.3847G>T) is a missense variant that changes the amino acid at residue 1283 from Alanine to Serine. This variant has been reported in the published literature (PMID:37208429). It is absent or not present at a significant frequency in gnomAD. In conclusion, we classify ABCB11 p.Ala1283Ser (c.3847G>T) as a variant of uncertain significance.

Literature cited by the submitters: PubMed 37208429.

NM_003742.4(ABCB11):c.3847G>T (p.Ala1283Ser)

Gene: ABCB11 (ATP binding cassette subfamily B member 11; minus strand). Cytogenetic location: 2q31.1.
Variant type: single nucleotide variant.
Coding change: c.3847G>T on transcript NM_003742.4 (MANE Select); coding-DNA position 3847, G replaced by T.
Protein change: p.Ala1283Ser; replaces alanine 1283 with serine.
Molecular consequence: missense variant.
Genome position (GRCh38, 1-based): chr2:168,923,741, C>A on the plus strand (G>T on the coding strand, the complement: ABCB11 is on the minus strand). VCF-style: chr2-168923741-C-A. GRCh37 (hg19) VCF-style: chr2-169780251-C-A.
Other names: short protein forms A1283S.
Identifiers: ClinVar variation 4846730 (VCV004846730.1).
Genomic context (GRCh38, chr2:168,923,741, plus strand): 5'-GTTCTTCATGGGTCCCCTTTTCAATCACCACCCCCTGTGCCATGACAGCAATGATATCCG[C>A]GTTCTGGATGGTGGACAAGCGATGGGCAATGACAATGCAGGTCCGACCCTCTCTGGCTTT-3'
Protein context (NP_003733.2, residues 1273-1293): IAHRLSTIQN[Ala1283Ser]DIIAVMAQGV